The following is an entry in ClinVar:

ClinVar aggregate classification (germline): Uncertain significance (1 of 4 stars; one submission).

Conditions:
DYRK1A-related intellectual disability syndrome (MRD7). Also called: DYRK1A Syndrome; Intellectual developmental disorder, autosomal dominant 7. Identifiers: Orphanet 464306, MedGen C5568143, MONDO:0013578, OMIM 614104.

gnomAD v4.1: 2 of 1,614,126 alleles (0.00012%); highest among the groups gnomAD compares: Non-Finnish European, 0.00017%; no homozygotes.

Submission:

Labcorp Genetics (formerly Invitae), Labcorp
Classification: Uncertain significance for DYRK1A-related intellectual disability syndrome. Last evaluated: 2025-12-03. Review status: criteria provided, single submitter. Criteria: Invitae Variant Classification Sherloc (09022015). Collection method: clinical testing. Allele origin: germline.
Comment: This sequence change replaces arginine, which is basic and polar, with cysteine, which is neutral and slightly polar, at codon 438 of the DYRK1A protein (p.Arg438Cys). This variant is present in population databases (rs766592662, gnomAD 0.0009%). This variant has not been reported in the literature in individuals affected with DYRK1A-related conditions. Invitae Evidence Modeling of protein sequence and biophysical properties (such as structural, functional, and spatial information, amino acid conservation, physicochemical variation, residue mobility, and thermodynamic stability) indicates that this missense variant is not expected to disrupt DYRK1A protein function with a negative predictive value of 95%. In summary, the available evidence is currently insufficient to determine the role of this variant in disease. Therefore, it has been classified as a Variant of Uncertain Significance.

NM_001347721.2(DYRK1A):c.1285C>T (p.Arg429Cys)

Gene: DYRK1A (dual specificity tyrosine phosphorylation regulated kinase 1A; plus strand). Cytogenetic location: 21q22.13.
Variant type: single nucleotide variant.
Coding change: c.1285C>T on transcript NM_001347721.2 (MANE Select); coding-DNA position 1285, C replaced by T.
Protein change: p.Arg429Cys; replaces arginine 429 with cysteine.
Molecular consequence: missense variant.
Genome position (GRCh38, 1-based): chr21:37,505,355, C>T. VCF-style: chr21-37505355-C-T. GRCh37 (hg19) VCF-style: chr21-38877658-C-T.
Other names: c.1285C>T, p.Arg429Cys (NM_001347722.2, NM_130436.2); c.1198C>T, p.Arg400Cys (NM_001347723.2); c.1312C>T, p.Arg438Cys (NM_001396.5, NM_101395.2, NM_130438.2); short protein forms R438C, R400C, R429C.
Identifiers: ClinVar variation 4768331 (VCV004768331.1).
Genomic context (GRCh38, chr21:37,505,355, plus strand): 5'-CCAGGAACCCGTAAACTTCATAACATTCTTGGAGTGGAAACAGGAGGACCTGGTGGGCGA[C>T]GTGCTGGGGAGTCAGGTCATACGGTCGCTGACTACTTGAAGTTCAAAGACCTCATTTTAA-3'
Protein context (NP_001334650.1, residues 419-439): GVETGGPGGR[Arg429Cys]AGESGHTVAD